The following is an entry in ClinVar:

ClinVar aggregate classification (germline): Uncertain significance (1 of 4 stars; one submission).

Submission:

Labcorp Genetics (formerly Invitae), Labcorp
Classification: Uncertain significance. Last evaluated: 2025-12-09. Review status: criteria provided, single submitter. Criteria: Invitae Variant Classification Sherloc (09022015). Collection method: clinical testing. Allele origin: germline.
Comment: This sequence change replaces proline, which is neutral and non-polar, with serine, which is neutral and polar, at codon 407 of the SIAE protein (p.Pro407Ser). This variant is not present in population databases (gnomAD no frequency). This variant has not been reported in the literature in individuals affected with SIAE-related conditions. An algorithm developed to predict the effect of missense changes on protein structure and function (PolyPhen-2) suggests that this variant is likely to be disruptive. In summary, the available evidence is currently insufficient to determine the role of this variant in disease. Therefore, it has been classified as a Variant of Uncertain Significance.

NM_170601.5(SIAE):c.1219C>T (p.Pro407Ser)

Gene: SIAE (sialic acid acetylesterase; minus strand). Cytogenetic location: 11q24.2.
Variant type: single nucleotide variant.
Coding change: c.1219C>T on transcript NM_170601.5 (MANE Select); coding-DNA position 1219, C replaced by T.
Protein change: p.Pro407Ser; replaces proline 407 with serine.
Molecular consequence: missense variant.
Genome position (GRCh38, 1-based): chr11:124,638,643, G>A on the plus strand (C>T on the coding strand, the complement: SIAE is on the minus strand). VCF-style: chr11-124638643-G-A. GRCh37 (hg19) VCF-style: chr11-124508539-G-A.
Other names: c.1114C>T, p.Pro372Ser (NM_001199922.2); short protein forms P372S, P407S.
Identifiers: ClinVar variation 4711432 (VCV004711432.1).